The following is an entry in ClinVar:

ClinVar aggregate classification (germline): Uncertain significance. Review status: criteria provided, multiple submitters, no conflicts (2 of 4 stars). 2 submissions from 2 submitters: Uncertain significance (2). Last evaluated 2024-08-05.

Conditions:
Autosomal dominant limb-girdle muscular dystrophy type 1F (LGMDD2). Also called: Limb-girdle muscular dystrophy, type 1F; MUSCULAR DYSTROPHY, LIMB-GIRDLE, AUTOSOMAL DOMINANT 2. Identifiers: Orphanet 55595, MedGen C1842062, MONDO:0012034, OMIM 608423.

Submissions (2):

Labcorp Genetics (formerly Invitae), Labcorp
Classification: Uncertain significance for Autosomal dominant limb-girdle muscular dystrophy type 1F. Last evaluated: 2024-08-05. Review status: criteria provided, single submitter. Criteria: Invitae Variant Classification Sherloc (09022015). Collection method: clinical testing. Allele origin: germline.
Comment: This sequence change creates a premature translational stop signal (p.Glu230*) in the TNPO3 gene. It is expected to result in an absent or disrupted protein product. However, the current clinical and genetic evidence is not sufficient to establish whether loss-of-function variants in TNPO3 cause disease. This variant is not present in population databases (gnomAD no frequency). This variant has not been reported in the literature in individuals affected with TNPO3-related conditions. ClinVar contains an entry for this variant (Variation ID: 2444642). In summary, the available evidence is currently insufficient to determine the role of this variant in disease. Therefore, it has been classified as a Variant of Uncertain Significance.

GeneDx
Classification: Uncertain significance. Last evaluated: 2022-09-20. Review status: criteria provided, single submitter. Criteria: GeneDx Variant Classification Process June 2021. Collection method: clinical testing. Allele origin: germline. Affected: yes.
Comment: Nonsense variant predicted to result in protein truncation or nonsense mediated decay in a gene or region of a gene for which loss of function is not a well-established mechanism of disease; Not observed at significant frequency in large population cohorts (gnomAD); Has not been previously published as pathogenic or benign to our knowledge

NM_012470.4(TNPO3):c.688G>T (p.Glu230Ter)

Gene: TNPO3 (transportin 3; minus strand). Cytogenetic location: 7q32.1.
Variant type: single nucleotide variant.
Coding change: c.688G>T on transcript NM_012470.4 (MANE Select); coding-DNA position 688, G replaced by T.
Protein change: p.Glu230Ter; replaces glutamic acid 230 with a stop codon.
Molecular consequence: nonsense. On other transcripts: non-coding transcript variant (18), intron variant (1).
Genome position (GRCh38, 1-based): chr7:129,005,024, C>A on the plus strand (G>T on the coding strand, the complement: TNPO3 is on the minus strand). VCF-style: chr7-129005024-C-A. GRCh37 (hg19) VCF-style: chr7-128645078-C-A.
Other names: c.688G>T, p.Glu230Ter (NM_001191028.3, NM_001382216.1, NM_001382218.1 and 4 more transcripts); c.769G>T, p.Glu257Ter (NM_001382217.1); c.553-3790G>T (NM_001382221.1); short protein forms E230*, E257*.
Identifiers: ClinVar variation 2444642 (VCV002444642.3), dbSNP rs2536298937, ClinGen allele CA369241378.